The following is an entry in ClinVar:

NM_019066.5(MAGEL2):c.250G>A (p.Ala84Thr)

Gene: MAGEL2 (MAGE family member L2; minus strand). Cytogenetic location: 15q11.2.
Variant type: single nucleotide variant.
Coding change: c.250G>A on transcript NM_019066.5 (MANE Select); coding-DNA position 250, G replaced by A.
Protein change: p.Ala84Thr; replaces alanine 84 with threonine.
Molecular consequence: missense variant.
Genome position (GRCh38, 1-based): chr15:23,647,493, C>T on the plus strand (G>A on the coding strand, the complement: MAGEL2 is on the minus strand). VCF-style: chr15-23647493-C-T. GRCh37 (hg19) VCF-style: chr15-23892640-C-T.
Other names: short protein forms A84T.
Identifiers: ClinVar variation 4723782 (VCV004723782.1).

ClinVar aggregate classification (germline): Uncertain significance (1 of 4 stars; one submission).

Submission:

Labcorp Genetics (formerly Invitae), Labcorp
Classification: Uncertain significance. Last evaluated: 2025-12-17. Review status: criteria provided, single submitter. Criteria: Invitae Variant Classification Sherloc (09022015). Collection method: clinical testing. Allele origin: germline.
Comment: This sequence change replaces alanine, which is neutral and non-polar, with threonine, which is neutral and polar, at codon 84 of the MAGEL2 protein (p.Ala84Thr). This variant is not present in population databases (gnomAD no frequency). This variant has not been reported in the literature in individuals affected with MAGEL2-related conditions. An algorithm developed to predict the effect of missense changes on protein structure and function outputs the following: PolyPhen-2: "Not Available". The threonine amino acid residue is found in multiple mammalian species, which suggests that this missense change does not adversely affect protein function. In summary, the available evidence is currently insufficient to determine the role of this variant in disease. Therefore, it has been classified as a Variant of Uncertain Significance.